The following is an entry in ClinVar:

NM_000038.6(APC):c.1281T>A (p.His427Gln)

Gene: APC (APC regulator of Wnt signaling pathway; plus strand). Cytogenetic location: 5q22.2.
Variant type: single nucleotide variant.
Coding change: c.1281T>A on transcript NM_000038.6 (MANE Select); coding-DNA position 1281, T replaced by A.
Protein change: p.His427Gln; replaces histidine 427 with glutamine.
Molecular consequence: missense variant.
Genome position (GRCh38, 1-based): chr5:112,819,313, T>A. VCF-style: chr5-112819313-T-A. GRCh37 (hg19) VCF-style: chr5-112155010-T-A.
Other names: c.903T>A, p.His301Gln (NM_001354904.2); c.801T>A, p.His267Gln (NM_001354905.2); c.432T>A, p.His144Gln (NM_001354906.2); c.1008T>A, p.His336Gln (NM_001354902.2); c.978T>A, p.His326Gln (NM_001354903.2); c.1281T>A, p.His427Gln (NM_001127510.3, NM_001354895.2, NM_001354896.2); c.1227T>A, p.His409Gln (NM_001127511.3); c.1311T>A, p.His437Gln (NM_001354897.2); and 3 more; short protein forms H336Q, H368Q, H409Q, H301Q, H399Q, H427Q, H326Q, H437Q.
Identifiers: ClinVar variation 643539 (VCV000643539.16), dbSNP rs770616197, ClinGen allele CA16024109.

ClinVar aggregate classification (germline): Uncertain significance. Review status: criteria provided, multiple submitters, no conflicts (2 of 4 stars). 3 submissions from 3 submitters: Uncertain significance (3). Last evaluated 2024-08-03.

Conditions:
Familial adenomatous polyposis 1 (FAP1). Also called: FAMILIAL ADENOMATOUS POLYPOSIS 1, ATTENUATED; POLYPOSIS, ADENOMATOUS INTESTINAL. Identifiers: MedGen C2713442, MONDO:0021056, OMIM 175100. Disease mechanism: loss of function.
Hereditary cancer-predisposing syndrome. Also called: Neoplastic Syndromes, Hereditary; Tumor predisposition; Hereditary neoplastic syndrome; Hereditary Cancer Syndrome. Identifiers: Orphanet 140162, MedGen C0027672, MeSH D009386, MONDO:0015356.

gnomAD v4.1: 12 of 1,614,054 alleles (0.00074%); highest among the groups gnomAD compares: Non-Finnish European, 0.00085%; no homozygotes.

Submissions (3):

Labcorp Genetics (formerly Invitae), Labcorp
Classification: Uncertain significance for Familial adenomatous polyposis 1. Last evaluated: 2024-08-03. Review status: criteria provided, single submitter. Criteria: Invitae Variant Classification Sherloc (09022015). Collection method: clinical testing. Allele origin: germline.
Comment: This sequence change replaces histidine, which is basic and polar, with glutamine, which is neutral and polar, at codon 427 of the APC protein (p.His427Gln). This variant is present in population databases (no rsID available, gnomAD 0.0009%). This variant has not been reported in the literature in individuals affected with APC-related conditions. ClinVar contains an entry for this variant (Variation ID: 643539). Advanced modeling of protein sequence and biophysical properties (such as structural, functional, and spatial information, amino acid conservation, physicochemical variation, residue mobility, and thermodynamic stability) performed at Invitae indicates that this missense variant is not expected to disrupt APC protein function with a negative predictive value of 95%. In summary, the available evidence is currently insufficient to determine the role of this variant in disease. Therefore, it has been classified as a Variant of Uncertain Significance.

Ambry Genetics
Classification: Uncertain significance for Hereditary cancer-predisposing syndrome. Last evaluated: 2024-02-02. Review status: criteria provided, single submitter. Criteria: Ambry Variant Classification Scheme 2023. Collection method: clinical testing. Allele origin: germline.
Comment: The p.H427Q variant (also known as c.1281T>A), located in coding exon 9 of the APC gene, results from a T to A substitution at nucleotide position 1281. The histidine at codon 427 is replaced by glutamine, an amino acid with highly similar properties. This amino acid position is highly conserved in available vertebrate species. In addition, in silico predictors for this gene do not accurately predict pathogenicity. Based on the available evidence, the clinical significance of this alteration remains unclear.

Color Diagnostics, LLC DBA Color Health
Classification: Uncertain significance for Hereditary cancer-predisposing syndrome. Last evaluated: 2019-05-30. Review status: criteria provided, single submitter. Criteria: ACMG Guidelines, 2015. Collection method: clinical testing. Allele origin: germline.